The following is an entry in ClinVar:

ClinVar aggregate classification (germline): Uncertain significance (1 of 4 stars; one submission).

Allele frequency attached by ClinVar (database versions not stated): ExAC 0.00002; gnomAD 0.00002; gnomAD exomes 0.00002 and 0.00007; TOPMed 0.00002.
gnomAD v4.1: 114 of 1,614,046 alleles (0.0071%); highest among the groups gnomAD compares: Non-Finnish European, 0.0091%; no homozygotes.

Submission:

Labcorp Genetics (formerly Invitae), Labcorp
Classification: Uncertain significance. Last evaluated: 2022-04-21. Review status: criteria provided, single submitter. Criteria: Invitae Variant Classification Sherloc (09022015). Collection method: clinical testing. Allele origin: germline.
Comment: This sequence change falls in intron 3 of the DEF6 gene. It does not directly change the encoded amino acid sequence of the DEF6 protein. It affects a nucleotide within the consensus splice site. This variant is present in population databases (rs757085688, gnomAD 0.005%). This variant has not been reported in the literature in individuals affected with DEF6-related conditions. Variants that disrupt the consensus splice site are a relatively common cause of aberrant splicing (PMID: 17576681, 9536098). Algorithms developed to predict the effect of sequence changes on RNA splicing suggest that this variant is not likely to affect RNA splicing. In summary, the available evidence is currently insufficient to determine the role of this variant in disease. Therefore, it has been classified as a Variant of Uncertain Significance.

Literature cited by the submitters: PubMed 17576681; PubMed 9536098.

NM_022047.4(DEF6):c.423+3G>A

Gene: DEF6 (DEF6 guanine nucleotide exchange factor; plus strand). Cytogenetic location: 6p21.31.
Variant type: single nucleotide variant.
Coding change: c.423+3G>A on transcript NM_022047.4 (MANE Select); 3 bases into the intron after coding-DNA position 423, G replaced by A.
Molecular consequence: intron variant.
Genome position (GRCh38, 1-based): chr6:35,310,647, G>A. VCF-style: chr6-35310647-G-A. GRCh37 (hg19) VCF-style: chr6-35278424-G-A.
Identifiers: ClinVar variation 1362937 (VCV001362937.3), dbSNP rs757085688, ClinGen allele CA3770708.